The following is an entry in ClinVar:

NM_012154.5(AGO2):c.1375C>G (p.Gln459Glu)

Gene: AGO2 (argonaute RISC catalytic component 2; minus strand). Cytogenetic location: 8q24.3.
Variant type: single nucleotide variant.
Coding change: c.1375C>G on transcript NM_012154.5 (MANE Select); coding-DNA position 1375, C replaced by G.
Protein change: p.Gln459Glu; replaces glutamine 459 with glutamic acid.
Molecular consequence: missense variant.
Genome position (GRCh38, 1-based): chr8:140,551,331, G>C on the plus strand (C>G on the coding strand, the complement: AGO2 is on the minus strand). VCF-style: chr8-140551331-G-C. GRCh37 (hg19) VCF-style: chr8-141561430-G-C.
Other names: c.1375C>G, p.Gln459Glu (NM_001164623.3); short protein forms Q459E.
Identifiers: ClinVar variation 4881404 (VCV004881404.2).

ClinVar aggregate classification (germline): Uncertain significance (1 of 4 stars; one submission).

Submission:

Dasa
Classification: Uncertain significance. Last evaluated: 2025-04-01. Review status: criteria provided, single submitter. Criteria: DASA Assertion Criteria. Collection method: clinical testing. Allele origin: germline.
Comment: NM_012154.5(AGO2):c.1375C>G (p.Gln459Glu) is a missense variant that results in the substitution of glutamine with glutamic acid. This variant is absent from population databases. The currently available literature and clinical evidence are not sufficient to establish a definitive association between this variant and the reported condition. Therefore, this variant is classified as a variant of uncertain significance.